The following is an entry in ClinVar:

NM_000069.3(CACNA1S):c.1250G>C (p.Trp417Ser)

Gene: CACNA1S (calcium voltage-gated channel subunit alpha1 S; minus strand). Cytogenetic location: 1q32.1.
Variant type: single nucleotide variant.
Coding change: c.1250G>C on transcript NM_000069.3 (MANE Select); coding-DNA position 1250, G replaced by C.
Protein change: p.Trp417Ser; replaces tryptophan 417 with serine.
Molecular consequence: missense variant.
Genome position (GRCh38, 1-based): chr1:201,083,305, C>G on the plus strand (G>C on the coding strand, the complement: CACNA1S is on the minus strand). VCF-style: chr1-201083305-C-G. GRCh37 (hg19) VCF-style: chr1-201052433-C-G.
Other names: c.1250G>C (NM_000069.2); short protein forms W417S.
Identifiers: ClinVar variation 1973943 (VCV001973943.6), dbSNP rs1408599737, ClinGen allele CA344126182.

ClinVar aggregate classification (germline): Conflicting classifications of pathogenicity. Review status: criteria provided, conflicting classifications (1 of 4 stars). 2 submissions from 2 submitters: Uncertain significance (1); Likely benign (1). Last evaluated 2026-03-20.

Conditions:
Hypokalemic periodic paralysis, type 1. Also called: Hypokalemic Periodic Paralysis Type 1 (AD); HypoPP. Identifiers: Orphanet 681, MedGen C3714580, MONDO:0042979, OMIM 170400.
Malignant hyperthermia, susceptibility to, 5 (MHS5). Also called: CACNA1S-Related Malignant Hyperthermia Susceptibility. Identifiers: Orphanet 423, MedGen C1866077, MONDO:0011163, OMIM 601887.

gnomAD v4.1: 8 of 1,614,206 alleles (0.0005%); highest among the groups gnomAD compares: South Asian, 0.0088%; no homozygotes.

Submissions (2):

GeneDx
Classification: Uncertain significance. Last evaluated: 2026-03-20. Review status: criteria provided, single submitter. Criteria: GeneDx Variant Classification Process June 2021. Collection method: clinical testing. Allele origin: germline.
Comment: In silico analysis supports that this missense variant has a deleterious effect on protein structure/function; Has not been previously published as pathogenic or benign to our knowledge

Labcorp Genetics (formerly Invitae), Labcorp
Classification: Likely benign for Hypokalemic periodic paralysis, type 1; Malignant hyperthermia, susceptibility to, 5. Last evaluated: 2022-11-14. Review status: criteria provided, single submitter. Criteria: Invitae Variant Classification Sherloc (09022015). Collection method: clinical testing. Allele origin: germline.